The following is an entry in ClinVar:

ClinVar aggregate classification (germline): Uncertain significance. Review status: criteria provided, multiple submitters, no conflicts (2 of 4 stars). 2 submissions from 2 submitters: Uncertain significance (2). Last evaluated 2026-01-13.

Conditions:
Inborn genetic diseases. Identifiers: MedGen C0950123, MeSH D030342.

Allele frequency attached by ClinVar (database versions not stated): TOPMed 0.00001; gnomAD 0.00001.
gnomAD v4.1: 1 of 1,613,060 alleles (0.000062%); highest among the groups gnomAD compares: African/African-American, 0.0013%; no homozygotes.

Submissions (2):

GeneDx
Classification: Uncertain significance. Last evaluated: 2026-01-13. Review status: criteria provided, single submitter. Criteria: GeneDx Variant Classification Process June 2021. Collection method: clinical testing. Allele origin: germline.
Comment: Has not been previously published as pathogenic or benign to our knowledge; Not observed at significant frequency in large population cohorts (gnomAD); In silico analysis suggests that this missense variant does not alter protein structure/function

Ambry Genetics
Classification: Uncertain significance for Inborn genetic diseases. Last evaluated: 2017-06-12. Review status: criteria provided, single submitter. Criteria: Ambry Variant Classification Scheme 2023. Collection method: clinical testing. Allele origin: germline.
Comment: The p.I567L variant (also known as c.1699A>C), located in coding exon 13 of the CACNA1A gene, results from an A to C substitution at nucleotide position 1699. The isoleucine at codon 567 is replaced by leucine, an amino acid with highly similar properties. This amino acid position is not well conserved in available vertebrate species, and leucine is the reference amino acid in other vertebrate species. In addition, the in silico prediction for this alteration is inconclusive. Since supporting evidence is limited at this time, the clinical significance of this alteration remains unclear.

NM_001127222.2(CACNA1A):c.1696A>C (p.Ile566Leu)

Gene: CACNA1A (calcium voltage-gated channel subunit alpha1 A; minus strand). Cytogenetic location: 19p13.13.
Variant type: single nucleotide variant.
Coding change: c.1696A>C on transcript NM_001127222.2 (MANE Select); coding-DNA position 1696, A replaced by C.
Protein change: p.Ile566Leu; replaces isoleucine 566 with leucine.
Molecular consequence: missense variant.
Genome position (GRCh38, 1-based): chr19:13,308,501, T>G on the plus strand (A>C on the coding strand, the complement: CACNA1A is on the minus strand). VCF-style: chr19-13308501-T-G. GRCh37 (hg19) VCF-style: chr19-13419315-T-G.
Other names: c.1699A>C, p.Ile567Leu (NM_000068.4, NM_001127221.2, NM_001174080.2 and 1 more transcripts); short protein forms I567L, I566L.
Identifiers: ClinVar variation 589232 (VCV000589232.7), dbSNP rs1568519066, ClinGen allele CA404345199.